The following is an entry in ClinVar:

NM_006415.4(SPTLC1):c.859C>T (p.Arg287Ter)

Gene: SPTLC1 (serine palmitoyltransferase long chain base subunit 1; minus strand). Cytogenetic location: 9q22.31.
Variant type: single nucleotide variant.
Coding change: c.859C>T on transcript NM_006415.4 (MANE Select); coding-DNA position 859, C replaced by T.
Protein change: p.Arg287Ter; replaces arginine 287 with a stop codon.
Molecular consequence: nonsense.
Genome position (GRCh38, 1-based): chr9:92,049,989, G>A on the plus strand (C>T on the coding strand, the complement: SPTLC1 is on the minus strand). VCF-style: chr9-92049989-G-A. GRCh37 (hg19) VCF-style: chr9-94812271-G-A.
Other names: c.859C>T, p.Arg287Ter (NM_001281303.2); c.493C>T, p.Arg165Ter (NM_001368272.1); c.394C>T, p.Arg132Ter (NM_001368273.1); short protein forms R132*, R287*, R165*.
Identifiers: ClinVar variation 864757 (VCV000864757.10), dbSNP rs779016234, ClinGen allele CA195388266.

ClinVar aggregate classification (germline): Uncertain significance. Review status: criteria provided, multiple submitters, no conflicts (2 of 4 stars). 3 submissions from 3 submitters: Uncertain significance (3). Last evaluated 2025-11-12.

Conditions:
Hereditary sensory and autonomic neuropathy type 1 (HSAN1). Also called: HSAN 1; HSN Type I; Hereditary Sensory Neuropathy Type I. Identifiers: Orphanet 36386, MedGen C0020071, MONDO:0018213.
Amyotrophic lateral sclerosis (ALS). Also called: Lou Gehrig disease; Charcot disease. Identifiers: Orphanet 803, MedGen C0002736, MONDO:0004976, HP:0007354.

Allele frequency attached by ClinVar (database versions not stated): gnomAD exomes below 0.00001; TOPMed 0.00002.
gnomAD v4.1: 14 of 1,613,352 alleles (0.00087%); highest among the groups gnomAD compares: East Asian, 0.0022%; no homozygotes.

Submissions (3):

Labcorp Genetics (formerly Invitae), Labcorp
Classification: Uncertain significance for Hereditary sensory and autonomic neuropathy type 1. Last evaluated: 2025-11-12. Review status: criteria provided, single submitter. Criteria: Invitae Variant Classification Sherloc (09022015). Collection method: clinical testing. Allele origin: germline.
Comment: This sequence change creates a premature translational stop signal (p.Arg287*) in the SPTLC1 gene. It is expected to result in an absent or disrupted protein product. However, the current clinical and genetic evidence is not sufficient to establish whether loss-of-function variants in SPTLC1 cause disease. This variant is present in population databases (rs779016234, gnomAD 0.0009%). This premature translational stop signal has been observed in individual(s) with axonal neuropathy (PMID: 33879512). ClinVar contains an entry for this variant (Variation ID: 864757). Algorithms developed to predict the effect of sequence changes on RNA splicing suggest that this variant may disrupt the consensus splice site. In summary, the available evidence is currently insufficient to determine the role of this variant in disease. Therefore, it has been classified as a Variant of Uncertain Significance.

Dept. of Medical Genetics, Telemark Hospital Trust, Telemark Hospital Trust
Classification: Uncertain significance for Amyotrophic Lateral Sclerosis. Last evaluated: 2022-01-01. Review status: criteria provided, single submitter. Criteria: ACMG Guidelines, 2015. Collection method: research. Allele origin: germline. Affected: yes.

GeneDx
Classification: Uncertain significance. Last evaluated: 2019-04-02. Review status: criteria provided, single submitter. Criteria: GeneDx Variant Classification Process June 2021. Collection method: clinical testing. Allele origin: germline. Affected: yes.
Comment: Not observed at a significant frequency in large population cohorts (Lek et al., 2016); Nonsense variant predicted to result in protein truncation or nonsense mediated decay in a gene for which loss-of-function is not a known mechanism of disease; Has not been previously published as pathogenic or benign to our knowledge

Literature cited by the submitters: PubMed 33879512 (cited by Labcorp Genetics (formerly Invitae), Labcorp).